The following is an entry in ClinVar:

NM_014363.6(SACS):c.12757C>T (p.Gln4253Ter)

Gene: SACS (sacsin molecular chaperone; minus strand). Cytogenetic location: 13q12.12.
Variant type: single nucleotide variant.
Coding change: c.12757C>T on transcript NM_014363.6 (MANE Select); coding-DNA position 12757, C replaced by T.
Protein change: p.Gln4253Ter; replaces glutamine 4253 with a stop codon.
Molecular consequence: nonsense.
Genome position (GRCh38, 1-based): chr13:23,331,119, G>A on the plus strand (C>T on the coding strand, the complement: SACS is on the minus strand). VCF-style: chr13-23331119-G-A. GRCh37 (hg19) VCF-style: chr13-23905258-G-A.
Other names: c.12316C>T, p.Gln4106Ter (NM_001278055.2); short protein forms Q4106*, Q4253*.
Identifiers: ClinVar variation 2986197 (VCV002986197.3), dbSNP rs2542150460, ClinGen allele CA387506977.

ClinVar aggregate classification (germline): Pathogenic (1 of 4 stars; one submission).

Conditions:
Spastic paraplegia. Identifiers: MedGen C0037772, HP:0001258.

Allele frequency attached by ClinVar (database versions not stated): gnomAD exomes below 0.00001.
gnomAD v4.1: 3 of 1,614,098 alleles (0.00019%); highest among the groups gnomAD compares: Non-Finnish European, 0.00025%; no homozygotes.

Submission:

Labcorp Genetics (formerly Invitae), Labcorp
Classification: Pathogenic for Spastic paraplegia. Last evaluated: 2023-09-26. Review status: criteria provided, single submitter. Criteria: Invitae Variant Classification Sherloc (09022015). Collection method: clinical testing. Allele origin: germline.
Comment: This variant disrupts a region of the SACS protein in which other variant(s) (p.Asn4549Asp) have been determined to be pathogenic (PMID: 15156359, 21507954). This suggests that this is a clinically significant region of the protein, and that variants that disrupt it are likely to be disease-causing. For these reasons, this variant has been classified as Pathogenic. This variant has not been reported in the literature in individuals affected with SACS-related conditions. This sequence change creates a premature translational stop signal (p.Gln4253*) in the SACS gene. While this is not anticipated to result in nonsense mediated decay, it is expected to disrupt the last 327 amino acid(s) of the SACS protein. This variant is not present in population databases (gnomAD no frequency).

Literature cited by the submitters: PubMed 15156359; PubMed 21507954.